The following is an entry in ClinVar:

ClinVar aggregate classification (germline): Likely benign (1 of 4 stars; one submission).

gnomAD v4.1: 196 of 1,614,042 alleles (0.012%); highest among the groups gnomAD compares: Admixed American, 0.04%; no homozygotes.

Submission:

CeGaT Center for Human Genetics Tuebingen
Classification: Likely benign. Last evaluated: 2026-09-01. Review status: criteria provided, single submitter. Criteria: CeGaT Center For Human Genetics Tuebingen Variant Classification Criteria Version 2. Collection method: clinical testing. Allele origin: germline. Affected: yes. Observed: 1 variant allele.
Comment: CHD5: BS1

NM_015557.3(CHD5):c.5051G>T (p.Gly1684Val)

Gene: CHD5 (chromodomain helicase DNA binding protein 5; minus strand). Cytogenetic location: 1p36.31.
Variant type: single nucleotide variant.
Coding change: c.5051G>T on transcript NM_015557.3 (MANE Select); coding-DNA position 5051, G replaced by T.
Protein change: p.Gly1684Val; replaces glycine 1684 with valine.
Molecular consequence: missense variant.
Genome position (GRCh38, 1-based): chr1:6,112,229, C>A on the plus strand (G>T on the coding strand, the complement: CHD5 is on the minus strand). VCF-style: chr1-6112229-C-A. GRCh37 (hg19) VCF-style: chr1-6172289-C-A.
Other names: short protein forms G1684V.
Identifiers: ClinVar variation 5041059 (VCV005041059.1).
Genomic context (GRCh38, chr1:6,112,229, plus strand): 5'-ATGAACTTGAATTTCCCCTTCTTGTCCTCCTTCTTCCCCTCGTCATCTTCCTCTTTGTCA[C>A]CATTTTGCTGTGTTTCAATGGGCTCCTTCTCCTCAGCCTTGGTGTCATCTGCCGGGGACA-3'
Protein context (NP_056372.1, residues 1674-1694): EKEPIETQQN[Gly1684Val]DKEEDDEGKK